The following is an entry in ClinVar:

NM_000051.3(ATM):c.8419delG

Genes: ATM (ATM serine/threonine kinase; plus strand), C11orf65 (chromosome 11 open reading frame 65; minus strand). Cytogenetic location: 11q22.3.
Variant type: Deletion.
Coding change: c.8419delG on transcript NM_000051.3; coding-DNA position 8419, one base deleted (G).
Molecular consequence: intron variant (on NM_001330368.2).
Genome position (GRCh38, 1-based): chr11:108,345,743, G deleted; the last of 2 consecutive G bases (chr11:108,345,742-108,345,743); deleting either gives the same sequence. VCF-style (leftmost placement, unchanged base first): chr11-108345741-AG-A. GRCh37 (hg19) VCF-style: chr11-108216468-AG-A.
Other names: c.641-36671del (NM_001330368.2); c.695-10450del (NM_001351110.2).
Identifiers: ClinVar variation 1683282 (VCV001683282.3), dbSNP rs2137023331, ClinGen allele CA2573146771.

ClinVar aggregate classification (germline): Likely pathogenic (1 of 4 stars; one submission).

Conditions:
Ataxia-telangiectasia syndrome (AT). Also called: Ataxia telangiectasia (A-T); LOUIS-BAR SYNDROME; Cerebello-oculocutaneous telangiectasia; Immunodeficiency with ataxia telangiectasia; Ataxia-telangiectasia, complementation group D; AT, COMPLEMENTATION GROUP C. Identifiers: Orphanet 100, MedGen C0004135, MONDO:0008840, OMIM 208900.

Submission:

Women's Health and Genetics/Laboratory Corporation of America, LabCorp
Classification: Likely pathogenic for Ataxia-telangiectasia syndrome. Last evaluated: 2022-04-26. Review status: criteria provided, single submitter. Criteria: LabCorp Variant Classification Summary - May 2015. Collection method: clinical testing. Allele origin: germline.
Comment: Variant summary: ATM c.8419delG (p.Glu2807ArgfsX50) results in a premature termination codon, predicted to cause a truncation of the encoded protein or absence of the protein due to nonsense mediated decay, which are commonly known mechanisms for disease. Truncations downstream of this position have been classified as pathogenic by our laboratory. The variant was absent in 281544 control chromosomes (gnomAD). To our knowledge, no occurrence of c.8419delG in individuals affected with Ataxia-Telangiectasia and no experimental evidence demonstrating its impact on protein function have been reported. No clinical diagnostic laboratories have submitted clinical-significance assessments for this variant to ClinVar after 2014. Based on the evidence outlined above, the variant was classified as likely pathogenic.